The following is an entry in ClinVar:

ClinVar aggregate classification (germline): Likely benign (1 of 4 stars; one submission).

Allele frequency attached by ClinVar (database versions not stated): 1000 Genomes Project 30x 0.00016; 1000 Genomes Project 0.00020; TOPMed 0.00117; ESP Exome Variant Server 0.00131; gnomAD 0.00131; ExAC 0.00163.
gnomAD v4.1: 2,542 of 1,612,516 alleles (0.16%); highest among the groups gnomAD compares: Non-Finnish European, 0.19%; 2 homozygotes.

Submission:

CeGaT Center for Human Genetics Tuebingen
Classification: Likely benign. Last evaluated: 2023-03-01. Review status: criteria provided, single submitter. Criteria: CeGaT Center For Human Genetics Tuebingen Variant Classification Criteria Version 2. Collection method: clinical testing. Allele origin: germline. Affected: yes. Observed: 1 variant allele.
Comment: CORO2B: BP4, BP7

NM_006091.5(CORO2B):c.186C>T (p.Gly62=)

Gene: CORO2B (coronin 2B; plus strand). Cytogenetic location: 15q23.
Variant type: single nucleotide variant.
Coding change: c.186C>T on transcript NM_006091.5 (MANE Select); coding-DNA position 186, C replaced by T.
Protein change: p.Gly62=; no amino-acid change (glycine 62 retained).
Molecular consequence: synonymous variant.
Genome position (GRCh38, 1-based): chr15:68,645,330, C>T. VCF-style: chr15-68645330-C-T. GRCh37 (hg19) VCF-style: chr15-68937669-C-T.
Other names: c.171C>T, p.Gly57= (NM_001190456.2, NM_001190457.2, NM_001324014.1 and 1 more transcripts).
Identifiers: ClinVar variation 2645490 (VCV002645490.24), dbSNP rs61747072, ClinGen allele CA7632407.
Genomic context (GRCh38, chr15:68,645,330, plus strand): 5'-CAACCACTTCTGTGCCGTCAACACCCGCTTCCTGGCCATCGTCACCGAGAGCGCAGGGGG[C>T]GGCTCCTTCCTCGTCATCCCCCTGGAGCAGGTAGGTGGCCCCTACCTTCACTCCAGCTGC-3'
Protein context (NP_006082.3, residues 52-72): FLAIVTESAG[Gly62=]GSFLVIPLEQ